The following is an entry in ClinVar:

NM_001378457.1(DMXL2):c.7591G>C (p.Gly2531Arg)

Gene: DMXL2 (Dmx like 2; minus strand). Cytogenetic location: 15q21.2.
Variant type: single nucleotide variant.
Coding change: c.7591G>C on transcript NM_001378457.1 (MANE Select); coding-DNA position 7591, G replaced by C.
Protein change: p.Gly2531Arg; replaces glycine 2531 with arginine.
Molecular consequence: missense variant. On other transcripts: non-coding transcript variant (2), intron variant (1).
Genome position (GRCh38, 1-based): chr15:51,465,581, C>G on the plus strand (G>C on the coding strand, the complement: DMXL2 is on the minus strand). VCF-style: chr15-51465581-C-G. GRCh37 (hg19) VCF-style: chr15-51757778-C-G.
Other names: c.7591G>C, p.Gly2531Arg (NM_001174116.3, NM_001378461.1, NM_001378463.1); c.5680G>C, p.Gly1894Arg (NM_001174117.3); c.7588G>C, p.Gly2530Arg (NM_001378458.1, NM_001378462.1, NM_015263.5); c.5569G>C, p.Gly1857Arg (NM_001378460.1); c.7348G>C, p.Gly2450Arg (NM_001378464.1); c.7520+603G>C (NM_001378459.1); short protein forms G1894R, G2450R, G2531R, G1857R, G2530R.
Identifiers: ClinVar variation 2080977 (VCV002080977.4), dbSNP rs2543079999, ClinGen allele CA392439488.

ClinVar aggregate classification (germline): Uncertain significance (1 of 4 stars; one submission).

Submission:

Labcorp Genetics (formerly Invitae), Labcorp
Classification: Uncertain significance. Last evaluated: 2022-01-12. Review status: criteria provided, single submitter. Criteria: Invitae Variant Classification Sherloc (09022015). Collection method: clinical testing. Allele origin: germline.
Comment: This sequence change replaces glycine, which is neutral and non-polar, with arginine, which is basic and polar, at codon 2531 of the DMXL2 protein (p.Gly2531Arg). This variant is not present in population databases (gnomAD no frequency). This variant has not been reported in the literature in individuals affected with DMXL2-related conditions. Algorithms developed to predict the effect of missense changes on protein structure and function are either unavailable or do not agree on the potential impact of this missense change (SIFT: "Deleterious"; PolyPhen-2: "Probably Damaging"; Align-GVGD: "Class C15"). In summary, the available evidence is currently insufficient to determine the role of this variant in disease. Therefore, it has been classified as a Variant of Uncertain Significance.